The following is an entry in ClinVar:

NM_013275.6(ANKRD11):c.6139G>T (p.Ala2047Ser)

Gene: ANKRD11 (ankyrin repeat domain 11; minus strand). Cytogenetic location: 16q24.3.
Variant type: single nucleotide variant.
Coding change: c.6139G>T on transcript NM_013275.6 (MANE Select); coding-DNA position 6139, G replaced by T.
Protein change: p.Ala2047Ser; replaces alanine 2047 with serine.
Molecular consequence: missense variant.
Genome position (GRCh38, 1-based): chr16:89,280,403, C>A on the plus strand (G>T on the coding strand, the complement: ANKRD11 is on the minus strand). VCF-style: chr16-89280403-C-A. GRCh37 (hg19) VCF-style: chr16-89346811-C-A.
Other names: c.6139G>T (NM_013275.5); c.6139G>T, p.Ala2047Ser (NM_001256182.2, NM_001256183.2); short protein forms A2047S.
Identifiers: ClinVar variation 1751815 (VCV001751815.8), dbSNP rs748373867, ClinGen allele CA286510678.
Genomic context (GRCh38, chr16:89,280,403, plus strand): 5'-TGAAGAAGGACTCCAGCCCGGAGGGAGGGGCGTAGGGAGCCGCCTCTGAGGTGGAGATGG[C>A]GGCGGGGACGGCGTCCACTCCGTCCTTGACGTCCTCCAGCCCCGGCTCAGCGACGGGCAG-3'
Protein context (NP_037407.4, residues 2037-2057): VKDGVDAVPA[Ala2047Ser]ISTSEAAPYA

ClinVar aggregate classification (germline): Uncertain significance. Review status: criteria provided, multiple submitters, no conflicts (2 of 4 stars). 3 submissions from 3 submitters: Uncertain significance (3). Last evaluated 2024-12-08.

Conditions:
Inborn genetic diseases. Identifiers: MedGen C0950123, MeSH D030342.
ANKRD11-related disorder. Also called: ANKRD11-related condition.
KBG syndrome (KBGS). Also called: ANKRD11-Related KBG Syndrome. Identifiers: Orphanet 2332, MedGen C0220687, MONDO:0007846, OMIM 148050.

gnomAD v4.1: 7 of 1,556,490 alleles (0.00045%); highest among the groups gnomAD compares: African/African-American, 0.0095%; no homozygotes.

Submissions (3):

PreventionGenetics, part of Exact Sciences
Classification: Uncertain significance for ANKRD11-related condition. Last evaluated: 2024-12-08. Review status: criteria provided, single submitter. Criteria: ACMG Guidelines, 2015. Collection method: clinical testing. Allele origin: germline.
Comment: The ANKRD11 c.6139G>T variant is predicted to result in the amino acid substitution p.Ala2047Ser. To our knowledge, this variant has not been reported in the literature. This variant is reported in 0.034% of alleles in individuals of African descent in gnomAD, which is likely too common for an undocumented disease-causing variant. Although we suspect that this variant may be benign, at this time, the clinical significance of this variant is uncertain due to the absence of conclusive functional and genetic evidence.

Labcorp Genetics (formerly Invitae), Labcorp
Classification: Uncertain significance for KBG syndrome. Last evaluated: 2022-08-09. Review status: criteria provided, single submitter. Criteria: Invitae Variant Classification Sherloc (09022015). Collection method: clinical testing. Allele origin: germline.
Comment: In summary, the available evidence is currently insufficient to determine the role of this variant in disease. Therefore, it has been classified as a Variant of Uncertain Significance. Advanced modeling of protein sequence and biophysical properties (such as structural, functional, and spatial information, amino acid conservation, physicochemical variation, residue mobility, and thermodynamic stability) performed at Invitae indicates that this missense variant is not expected to disrupt ANKRD11 protein function. This variant has not been reported in the literature in individuals affected with ANKRD11-related conditions. This variant is present in population databases (no rsID available, gnomAD 0.03%). This sequence change replaces alanine, which is neutral and non-polar, with serine, which is neutral and polar, at codon 2047 of the ANKRD11 protein (p.Ala2047Ser).

Ambry Genetics
Classification: Uncertain significance for Inborn genetic diseases. Last evaluated: 2020-01-17. Review status: criteria provided, single submitter. Criteria: Ambry Variant Classification Scheme 2023. Collection method: clinical testing. Allele origin: germline.
Comment: The p.A2047S variant (also known as c.6139G>T), located in coding exon 7 of the ANKRD11 gene, results from a G to T substitution at nucleotide position 6139. The alanine at codon 2047 is replaced by serine, an amino acid with similar properties. This amino acid position is not well conserved in available vertebrate species. In addition, this alteration is predicted to be tolerated by in silico analysis. Since supporting evidence is limited at this time, the clinical significance of this alteration remains unclear.